The following is an entry in ClinVar:

ClinVar aggregate classification (germline): Benign/Likely benign. Review status: criteria provided, multiple submitters, no conflicts (2 of 4 stars). 6 submissions from 6 submitters: Benign (2); Likely benign (4). Last evaluated 2025-12-01.

Conditions:
Collagen 6-related myopathy. Identifiers: MedGen CN117976, MONDO:0100225.
Bethlem myopathy 1A. Also called: Bethlem myopathy 1; Bethlem Muscular Dystrophy; MYOPATHY, BENIGN CONGENITAL, WITH CONTRACTURES. Identifiers: Orphanet 610, MedGen CN029274, MONDO:0024530, OMIM 158810.

Allele frequency attached by ClinVar (database versions not stated): gnomAD 0.00011 and 0.00032; TOPMed 0.00014; gnomAD exomes 0.00043 and 0.00092; ExAC 0.00102; 1000 Genomes Project 30x 0.00125; 1000 Genomes Project 0.00160.
gnomAD v4.1: 684 of 1,612,202 alleles (0.042%); highest among the groups gnomAD compares: South Asian, 0.56%; 7 homozygotes.

Submissions (6):

Labcorp Genetics (formerly Invitae), Labcorp
Classification: Benign for Bethlem myopathy 1A. Last evaluated: 2025-12-01. Review status: criteria provided, single submitter. Criteria: Invitae Variant Classification Sherloc (09022015). Collection method: clinical testing. Allele origin: germline.

Blueprint Genetics
Classification: Likely benign. Last evaluated: 2024-10-23. Review status: criteria provided, single submitter. Criteria: ACMG Guidelines, 2015. Collection method: clinical testing. Allele origin: germline.

GeneDx
Classification: Likely benign. Last evaluated: 2020-11-06. Review status: criteria provided, single submitter. Criteria: GeneDx Variant Classification Process June 2021. Collection method: clinical testing. Allele origin: germline. Affected: yes.

Illumina Laboratory Services, Illumina
Classification: Benign for Collagen VI-related myopathy. Last evaluated: 2018-01-12. Review status: criteria provided, single submitter. Criteria: ICSL Variant Classification Criteria 13 December 2019. Collection method: clinical testing. Allele origin: germline.
Comment: This variant was observed in the ICSL laboratory as part of a predisposition screen in an ostensibly healthy population. It had not been previously curated by ICSL or reported in the Human Gene Mutation Database (HGMD: prior to June 1st, 2018), and was therefore a candidate for classification through an automated scoring system. Utilizing variant allele frequency, disease prevalence and penetrance estimates, and inheritance mode, an automated score was calculated to assess if this variant is too frequent to cause the disease. Based on the score and internal cut-off values, a variant classified as benign is not then subjected to further curation. The score for this variant resulted in a classification of benign for this disease.

Eurofins Ntd Llc (ga)
Classification: Likely benign. Last evaluated: 2015-09-15. Review status: criteria provided, single submitter. Criteria: EGL Classification Definitions 2015. Collection method: clinical testing. Allele origin: germline. Observed: 1 variant allele, 1 heterozygote.

Breakthrough Genomics
Classification: Likely benign. Review status: criteria provided, single submitter. Criteria: ACMG Guidelines, 2015. Collection method: not provided. Allele origin: germline. Inheritance: Autosomal recessive inheritance. Affected: yes.

NM_001848.3(COL6A1):c.2622G>A (p.Ala874=)

Gene: COL6A1 (collagen type VI alpha 1 chain; plus strand). Cytogenetic location: 21q22.3.
Variant type: single nucleotide variant.
Coding change: c.2622G>A on transcript NM_001848.3 (MANE Select); coding-DNA position 2622, G replaced by A.
Protein change: p.Ala874=; no amino-acid change (alanine 874 retained).
Molecular consequence: synonymous variant.
Genome position (GRCh38, 1-based): chr21:46,003,548, G>A. VCF-style: chr21-46003548-G-A. GRCh37 (hg19) VCF-style: chr21-47423462-G-A.
Identifiers: ClinVar variation 283315 (VCV000283315.22), dbSNP rs371763977, ClinGen allele CA10070983.